The following is an entry in ClinVar:

ClinVar aggregate classification (germline): Pathogenic (1 of 4 stars; one submission).

Conditions:
Xeroderma pigmentosum, group F (XPF). Also called: XERODERMA PIGMENTOSUM, COMPLEMENTATION GROUP F; XERODERMA PIGMENTOSUM VI; XP, GROUP F; ERCC4-Related Xeroderma Pigmentosum; XERODERMA PIGMENTOSUM, TYPE F; Xeroderma pigmentosum, type 6. Identifiers: MedGen C0268140, MONDO:0010215, OMIM 278760.
Cockayne syndrome. Identifiers: Orphanet 191, MedGen C0009207, MONDO:0016006.
Fanconi anemia complementation group Q. Identifiers: Orphanet 84, MedGen C3808988, MONDO:0014108, OMIM 615272.

Submission:

Labcorp Genetics (formerly Invitae), Labcorp
Classification: Pathogenic for Fanconi anemia complementation group Q; Xeroderma pigmentosum, group F; Cockayne syndrome. Last evaluated: 2022-07-10. Review status: criteria provided, single submitter. Criteria: Invitae Variant Classification Sherloc (09022015). Collection method: clinical testing. Allele origin: germline.
Comment: For these reasons, this variant has been classified as Pathogenic. A similar copy number variant has been observed in individual(s) with clinical features of ERCC4-related conditions (PMID: 29105242). This variant is a gross deletion of the genomic region encompassing exon(s) 3-4 of the ERCC4 gene. This deletion is out-of-frame, and is expected to create a premature termination codon and result in an absent or disrupted protein product. Loss-of-function variants in ERCC4 are known to be pathogenic (PMID: 9580660).

Literature cited by the submitters: PubMed 29105242; PubMed 9580660.

NC_000016.9:g.(?_14020398)_(14022112_?)del

Gene: ERCC4 (ERCC excision repair 4, endonuclease catalytic subunit; plus strand). Cytogenetic location: 16p13.12.
Variant type: Deletion.
Identifiers: ClinVar variation 2425329 (VCV002425329.4).